The following is an entry in ClinVar:

NM_004984.4(KIF5A):c.614G>A (p.Ser205Asn)

Gene: KIF5A (kinesin family member 5A; plus strand). Cytogenetic location: 12q13.3.
Variant type: single nucleotide variant.
Coding change: c.614G>A on transcript NM_004984.4 (MANE Select); coding-DNA position 614, G replaced by A.
Protein change: p.Ser205Asn; replaces serine 205 with asparagine.
Molecular consequence: missense variant.
Genome position (GRCh38, 1-based): chr12:57,567,518, G>A. VCF-style: chr12-57567518-G-A. GRCh37 (hg19) VCF-style: chr12-57961301-G-A.
Other names: c.347G>A, p.Ser116Asn (NM_001354705.2); short protein forms S116N, S205N.
Identifiers: ClinVar variation 3256743 (VCV003256743.1).

ClinVar aggregate classification (germline): Likely pathogenic (0 of 4 stars; one submission).

Conditions:
Myoclonus, intractable, neonatal (NEIMY). Identifiers: MedGen C4310658, MONDO:0014979, OMIM 617235.

Submission:

Solve-RD Consortium
Classification: Likely pathogenic for Myoclonus, intractable, neonatal. Last evaluated: 2022-06-01. Review status: no assertion criteria provided. Collection method: provider interpretation. Allele origin: inherited. Affected: yes.
Comment: Variant confirmed as disease-causing by referring clinical team

Variant identified during reanalysis of unsolved cases by the Solve-RD project. The Solve-RD project has received funding from the European Union’s Horizon 2020 research and innovation programme under grant agreement No 779257.

Literature cited by the submitters: PubMed 39825153.